The following is an entry in ClinVar:

ClinVar aggregate classification (germline): Conflicting classifications of pathogenicity. Review status: criteria provided, conflicting classifications (1 of 4 stars). 4 submissions from 4 submitters: Uncertain significance (1); Likely benign (3). Last evaluated 2024-12-13.

Conditions:
PRPF8-related disorder. Also called: PRPF8-related condition.

Allele frequency attached by ClinVar (database versions not stated): gnomAD exomes below 0.00001 and 0.00002; ExAC 0.00002; gnomAD 0.00010 and 0.00011; TOPMed 0.00017.
gnomAD v4.1: 23 of 1,614,008 alleles (0.0014%); highest among the groups gnomAD compares: African/African-American, 0.024%; no homozygotes.

Submissions (4):

PreventionGenetics, part of Exact Sciences
Classification: Likely benign for PRPF8-related condition. Last evaluated: 2024-12-13. Review status: criteria provided, single submitter. Criteria: ACMG Guidelines, 2015. Collection method: clinical testing. Allele origin: germline.
Comment: This variant is classified as likely benign based on ACMG/AMP sequence variant interpretation guidelines (Richards et al. 2015 PMID: 25741868, with internal and published modifications).

Labcorp Genetics (formerly Invitae), Labcorp
Classification: Likely benign. Last evaluated: 2024-10-15. Review status: criteria provided, single submitter. Criteria: Invitae Variant Classification Sherloc (09022015). Collection method: clinical testing. Allele origin: germline.

Blueprint Genetics
Classification: Likely benign. Last evaluated: 2023-09-13. Review status: criteria provided, single submitter. Criteria: ACMG Guidelines, 2015. Collection method: clinical testing. Allele origin: germline.

Eurofins Ntd Llc (ga)
Classification: Uncertain significance. Last evaluated: 2014-04-17. Review status: criteria provided, single submitter. Criteria: EGL Classification Definitions 2015. Collection method: clinical testing. Allele origin: germline. Observed: 1 variant allele, 1 heterozygote.

NM_006445.4(PRPF8):c.2235C>G (p.Ala745=)

Gene: PRPF8 (pre-mRNA processing factor 8; minus strand). Cytogenetic location: 17p13.3.
Variant type: single nucleotide variant.
Coding change: c.2235C>G on transcript NM_006445.4 (MANE Select); coding-DNA position 2235, C replaced by G.
Protein change: p.Ala745=; no amino-acid change (alanine 745 retained).
Molecular consequence: synonymous variant.
Genome position (GRCh38, 1-based): chr17:1,676,658, G>C on the plus strand (C>G on the coding strand, the complement: PRPF8 is on the minus strand). VCF-style: chr17-1676658-G-C. GRCh37 (hg19) VCF-style: chr17-1579952-G-C.
Other names: c.2235C>G (NM_006445.3).
Identifiers: ClinVar variation 167540 (VCV000167540.15), dbSNP rs727504109, ClinGen allele CA234730.